The following is an entry in ClinVar:

ClinVar aggregate classification (germline): Likely pathogenic (1 of 4 stars; one submission).

Submission:

Labcorp Genetics (formerly Invitae), Labcorp
Classification: Likely pathogenic. Last evaluated: 2022-10-14. Review status: criteria provided, single submitter. Criteria: Invitae Variant Classification Sherloc (09022015). Collection method: clinical testing. Allele origin: germline.
Comment: In summary, the currently available evidence indicates that the variant is pathogenic, but additional data are needed to prove that conclusively. Therefore, this variant has been classified as Likely Pathogenic. Algorithms developed to predict the effect of sequence changes on RNA splicing suggest that this variant may disrupt the consensus splice site. This variant has not been reported in the literature in individuals affected with MYO7A-related conditions. This variant is not present in population databases (gnomAD no frequency). This sequence change affects an acceptor splice site in intron 9 of the MYO7A gene. It is expected to disrupt RNA splicing. Variants that disrupt the donor or acceptor splice site typically lead to a loss of protein function (PMID: 16199547), and loss-of-function variants in MYO7A are known to be pathogenic (PMID: 8900236, 25404053).

Literature cited by the submitters: PubMed 16199547; PubMed 8900236; PubMed 25404053.

NM_000260.4(MYO7A):c.1004-1G>A

Gene: MYO7A (myosin VIIA; plus strand). Cytogenetic location: 11q13.5.
Variant type: single nucleotide variant.
Coding change: c.1004-1G>A on transcript NM_000260.4 (MANE Select); the canonical splice acceptor site of the intron before coding-DNA position 1004, G replaced by A.
Molecular consequence: splice acceptor variant.
Genome position (GRCh38, 1-based): chr11:77,159,446, G>A. VCF-style: chr11-77159446-G-A. GRCh37 (hg19) VCF-style: chr11-76870492-G-A.
Other names: c.971-1G>A (NM_001369365.1); c.1004-1G>A (NM_001127180.2).
Identifiers: ClinVar variation 2139846 (VCV002139846.4), dbSNP rs2496809991, ClinGen allele CA381933782.
Genomic context (GRCh38, chr11:77,159,446, plus strand): 5'-GTCCCCTTGCCCCTGTTGCCCACCCTCCCTCCCCTGATGCTGTGCCCCTTGCTGCCAACA[G>A]CACGCACATTTGAAAACCTGGATGCCTGTGAGGTTCTCTTCTCCCCATCGCTGGCCACAG-3'